The following is an entry in ClinVar:

NM_001370298.3(FGD4):c.1366C>T (p.Arg456Cys)

Gene: FGD4 (FYVE, RhoGEF and PH domain containing 4; plus strand). Cytogenetic location: 12p11.21.
Variant type: single nucleotide variant.
Coding change: c.1366C>T on transcript NM_001370298.3 (MANE Select); coding-DNA position 1366, C replaced by T.
Protein change: p.Arg456Cys; replaces arginine 456 with cysteine.
Molecular consequence: missense variant. On other transcripts: 5 prime UTR variant (1).
Genome position (GRCh38, 1-based): chr12:32,602,279, C>T. VCF-style: chr12-32602279-C-T. GRCh37 (hg19) VCF-style: chr12-32755213-C-T.
Other names: c.1210C>T, p.Arg404Cys (NM_001304481.2); c.211C>T, p.Arg71Cys (NM_001304483.2); c.-97C>T (NM_001304484.2); c.676C>T, p.Arg226Cys (NM_001330373.2, NM_001330374.2, NM_001384130.1); c.403C>T, p.Arg135Cys (NM_001370297.1); c.1366C>T, p.Arg456Cys (NM_001384126.1); c.955C>T, p.Arg319Cys (NM_001384127.1, NM_001384128.1, NM_001385118.1 and 1 more transcripts); short protein forms R319C, R404C, R226C, R135C, R71C, R456C.
Identifiers: ClinVar variation 430243 (VCV000430243.8), dbSNP rs1131691854, ClinGen allele CA384358886.
Genomic context (GRCh38, chr12:32,602,279, plus strand): 5'-TATGGAGAATATGTGAAAGGATTTGATAATGCAATGGAATTGGTTAAAAACATGACAGAA[C>T]GTATTCCCCAGTTCAAATCAGTGGTTGAAGAAATTCAGGTAATAGGACTGTTTTGTTCAA-3'
Protein context (NP_001357227.2, residues 446-466): AMELVKNMTE[Arg456Cys]IPQFKSVVEE

ClinVar aggregate classification (germline): Uncertain significance. Review status: criteria provided, multiple submitters, no conflicts (2 of 4 stars). 2 submissions from 2 submitters: Uncertain significance (2). Last evaluated 2017-12-13.

Conditions:
Charcot-Marie-Tooth disease type 4. Also called: Charcot-Marie-Tooth disease, type IV; Charcot-Marie-Tooth, Type 4. Identifiers: Orphanet 64749, MedGen C4082197, MONDO:0018995.

Allele frequency attached by ClinVar (database versions not stated): TOPMed below 0.00001; gnomAD 0.00001.
gnomAD v4.1: 6 of 1,613,974 alleles (0.00037%); highest among the groups gnomAD compares: South Asian, 0.0044%; no homozygotes.

Submissions (2):

Labcorp Genetics (formerly Invitae), Labcorp
Classification: Uncertain significance for Charcot-Marie-Tooth disease type 4. Last evaluated: 2017-12-13. Review status: criteria provided, single submitter. Criteria: Invitae Variant Classification Sherloc (09022015). Collection method: clinical testing. Allele origin: germline.
Comment: Algorithms developed to predict the effect of missense changes on protein structure and function (SIFT, PolyPhen-2, Align-GVGD) all suggest that this variant is likely to be disruptive, but these predictions have not been confirmed by published functional studies and their clinical significance is uncertain. This sequence change replaces arginine with cysteine at codon 319 of the FGD4 protein (p.Arg319Cys). The arginine residue is highly conserved and there is a large physicochemical difference between arginine and cysteine. This variant is not present in population databases (ExAC no frequency). This variant has not been reported in the literature in individuals with FGD4-related disease. ClinVar contains an entry for this variant (Variation ID: 430243). In summary, the available evidence is currently insufficient to determine the role of this variant in disease. Therefore, it has been classified as a Variant of Uncertain Significance.

GeneDx
Classification: Uncertain significance. Last evaluated: 2017-05-18. Review status: criteria provided, single submitter. Criteria: GeneDx Variant Classification (06012015). Collection method: clinical testing. Allele origin: germline. Affected: yes.
Comment: A variant of uncertain significance has been identified in the FGD4 gene. The R319C variant has not been published as a pathogenic variant, nor has it been reported as a benign variant to our knowledge. The R319C variant is not observed in large population cohorts (Lek et al., 2016; 1000 Genomes Consortium et al., 2015; Exome Variant Server). The R319C variant is a non-conservative amino acid substitution, which is likely to impact secondary protein structure as these residues differ in polarity, charge, size and/or other properties. This substitution occurs at a position where amino acids with similar properties to Arginine are tolerated across species. In silico analysis predicts this variant is probably damaging to the protein structure/function. Based on the currently available information, it is unclear whether this variant is a pathogenic variant or a rare benign variant.